The following is an entry in ClinVar:

ClinVar aggregate classification (germline): Pathogenic (1 of 4 stars; one submission).

Conditions:
Dilated cardiomyopathy 1DD (CMD1DD). Identifiers: Orphanet 154, MedGen C2750995, MONDO:0013168, OMIM 613172.

Submission:

Labcorp Genetics (formerly Invitae), Labcorp
Classification: Pathogenic for Dilated cardiomyopathy 1DD. Last evaluated: 2025-11-21. Review status: criteria provided, single submitter. Criteria: Invitae Variant Classification Sherloc (09022015). Collection method: clinical testing. Allele origin: germline.
Comment: This sequence change creates a premature translational stop signal (p.Asn1096Ilefs*30) in the RBM20 gene. It is expected to result in an absent or disrupted protein product. Loss-of-function variants in RBM20 are known to be pathogenic (PMID: 20590677, 22004663, 38288598, 38510713, 40339755). This variant is not present in population databases (gnomAD no frequency). This variant has not been reported in the literature in individuals affected with RBM20-related conditions. For these reasons, this variant has been classified as Pathogenic.

Literature cited by the submitters: PubMed 20590677; PubMed 22004663; PubMed 38288598; PubMed 38510713; PubMed 40339755.

NM_001134363.3(RBM20):c.3286_3287insT (p.Asn1096fs)

Gene: RBM20 (RNA binding motif protein 20; plus strand). Cytogenetic location: 10q25.2.
Variant type: Insertion.
Coding change: c.3286_3287insT on transcript NM_001134363.3 (MANE Select); coding-DNA positions 3286 to 3287, T inserted.
Protein change: p.Asn1096fs; shifts the reading frame from asparagine 1096.
Molecular consequence: frameshift variant.
Genome position: GRCh38 VCF-style: chr10-110821905-A-AT. GRCh37 (hg19) VCF-style: chr10-112581663-A-AT.
Other names: short protein forms N1096fs.
Identifiers: ClinVar variation 4712319 (VCV004712319.1).
Genomic context (GRCh38, chr10:110,821,905, plus strand): 5'-GCTTGTGAAGGCAGCCCCCTGGAGGAGAAAGCCAGCCCCCCCATCGAAACTGACCTCCAA[A>AT]ACCAAGCTTGCCAAGAAGTGTTGACCCCGGGTAACTATCTCCCCTTTCCTCACGGGTGGT-3'